The following is an entry in ClinVar:

NM_024675.4(PALB2):c.629C>T (p.Pro210Leu)

Gene: PALB2 (partner and localizer of BRCA2; minus strand). Cytogenetic location: 16p12.2.
Variant type: single nucleotide variant.
Coding change: c.629C>T on transcript NM_024675.4 (MANE Select); coding-DNA position 629, C replaced by T.
Protein change: p.Pro210Leu; replaces proline 210 with leucine.
Molecular consequence: missense variant.
Genome position (GRCh38, 1-based): chr16:23,635,917, G>A on the plus strand (C>T on the coding strand, the complement: PALB2 is on the minus strand). VCF-style: chr16-23635917-G-A. GRCh37 (hg19) VCF-style: chr16-23647238-G-A.
Other names: NP_078951.2:p.Pro210Leu; short protein forms P210L.
Identifiers: ClinVar variation 126761 (VCV000126761.58), dbSNP rs57605939, ClinGen allele CA161333.

ClinVar aggregate classification (germline): Conflicting classifications of pathogenicity. Review status: criteria provided, conflicting classifications (1 of 4 stars). 25 submissions from 25 submitters: Uncertain significance (1); Benign (14); Likely benign (2). 8 of the submissions do not count toward it. Last evaluated 2026-07-01.

Conditions:
Breast and/or ovarian cancer. Identifiers: MedGen CN221562.
Hereditary cancer-predisposing syndrome. Also called: Neoplastic Syndromes, Hereditary; Hereditary Cancer Syndrome; Tumor predisposition; Hereditary neoplastic syndrome. Identifiers: Orphanet 140162, MedGen C0027672, MeSH D009386, MONDO:0015356.
Hereditary breast ovarian cancer syndrome. Also called: Hereditary breast and ovarian cancer syndrome; Breast and ovarian cancer; BRCA1- and BRCA2-Associated Hereditary Breast and Ovarian Cancer; Hereditary breast and ovarian cancer; Hereditary breast and ovarian cancer syndrome (HBOC); Hereditary breast and/or ovarian cancer syndrome. Identifiers: Orphanet 145, MedGen C0677776, MeSH D061325, MONDO:0003582. Disease mechanism: loss of function.
Familial cancer of breast. Also called: hereditary breast carcinoma; BREAST CANCER, FAMILIAL; Hereditary breast cancer. Identifiers: Orphanet 227535, MedGen C0346153, MONDO:0016419, OMIM 114480. Disease mechanism: loss of function.
Fanconi anemia complementation group N. Also called: PALB2-Related Fanconi Anemia. Identifiers: Orphanet 84, MedGen C1835817, MONDO:0012565, OMIM 610832. Disease mechanism: loss of function.
Malignant tumor of breast. Also called: Malignant breast neoplasm; Cancer breast. Identifiers: MedGen C0006142, MONDO:0007254. Disease mechanism: loss of function.

Allele frequency attached by ClinVar (database versions not stated): gnomAD exomes 0.00186 and 0.00477; ExAC 0.00615; gnomAD 0.01972 and 0.02101; ESP Exome Variant Server 0.02216; TOPMed 0.02229; 1000 Genomes Project 0.02496; 1000 Genomes Project 30x 0.02826.
gnomAD v4.1: 5,848 of 1,614,072 alleles (0.36%); highest among the groups gnomAD compares: African/African-American, 6.9%; 191 homozygotes.

Submissions (25):

CeGaT Center for Human Genetics Tuebingen
Classification: Benign. Last evaluated: 2026-07-01. Review status: criteria provided, single submitter. Criteria: CeGaT Center For Human Genetics Tuebingen Variant Classification Criteria Version 2. Collection method: clinical testing. Allele origin: germline. Affected: yes. Observed: 1 variant allele.
Comment: PALB2: BP4, BS1, BS2

Labcorp Genetics (formerly Invitae), Labcorp
Classification: Benign for Familial cancer of breast. Last evaluated: 2026-02-04. Review status: criteria provided, single submitter. Criteria: Invitae Variant Classification Sherloc (09022015). Collection method: clinical testing. Allele origin: germline.

ARUP Laboratories, Molecular Genetics and Genomics, ARUP Laboratories
Classification: Benign. Last evaluated: 2025-07-18. Review status: criteria provided, single submitter. Criteria: ARUP Molecular Germline Variant Investigation Process 2024. Collection method: clinical testing. Allele origin: germline.

Center for Genomic Medicine, Rigshospitalet, Copenhagen University Hospital
Classification: Benign. Last evaluated: 2025-03-04. Review status: criteria provided, single submitter. Criteria: ACMG Guidelines, 2015. Collection method: clinical testing. Allele origin: germline.

Myriad Genetics, Inc.
Classification: Benign for Familial cancer of breast. Last evaluated: 2025-01-10. Review status: criteria provided, single submitter. Criteria: Myriad Autosomal Dominant, Autosomal Recessive and X-Linked Classification Criteria (2023). Collection method: clinical testing. Allele origin: unknown.
Comment: This variant is considered benign. This variant has been observed at a population frequency that is significantly greater than expected given the associated disease prevalence and penetrance.

Mayo Clinic Laboratories, Mayo Clinic
Classification: Benign. Last evaluated: 2024-10-02. Review status: criteria provided, single submitter. Criteria: ACMG Guidelines, 2015. Collection method: clinical testing. Allele origin: germline. Observed: 8 variant alleles.
Comment: BA1

National Health Laboratory Service, Universitas Academic Hospital and University of the Free State
Classification: Benign for Hereditary breast ovarian cancer syndrome. Last evaluated: 2022-04-19. Review status: criteria provided, single submitter. Criteria: ACMG Guidelines, 2015. Collection method: clinical testing. Allele origin: germline. Affected: yes. Observed: 31 variant alleles.

CHEO Genetics Diagnostic Laboratory, Children's Hospital of Eastern Ontario
Classification: Benign for Breast and/or ovarian cancer. Last evaluated: 2019-10-11. Review status: criteria provided, single submitter. Criteria: ACMG Guidelines, 2015. Collection method: clinical testing. Allele origin: germline.

Illumina Laboratory Services, Illumina
Classification: Benign for Fanconi anemia complementation group N. Last evaluated: 2017-04-27. Review status: criteria provided, single submitter. Criteria: ICSL Variant Classification Criteria 13 December 2019. Collection method: clinical testing. Allele origin: germline.
Comment: This variant was observed as part of a predisposition screen in an ostensibly healthy population. A literature search was performed for the gene, cDNA change, and amino acid change (where applicable). No publications were found based on this search. Allele frequency data from public databases was too high to be consistent with this variant causing disease. Therefore, this variant is classified as benign.

Institute for Biomarker Research, Medical Diagnostic Laboratories, L.L.C.
Classification: Likely benign for Hereditary cancer-predisposing syndrome. Last evaluated: 2017-02-14. Review status: criteria provided, single submitter. Criteria: ACMG Guidelines, 2015. Collection method: clinical testing. Allele origin: germline.

Vantari Genetics
Classification: Likely benign for Hereditary cancer-predisposing syndrome. Last evaluated: 2016-02-04. Review status: criteria provided, single submitter. Criteria: ACMG Guidelines, 2015. Collection method: clinical testing. Allele origin: germline.

Cancer Genetics Laboratory, Peter MacCallum Cancer Centre
Classification: Uncertain significance for Familial cancer of breast. Last evaluated: 2015-06-01. Review status: criteria provided, single submitter. Criteria: Thompson et al. (Breast Cancer Res. 2015). Collection method: case-control. Allele origin: germline. Affected: yes and no. Observed: 4 variant alleles, 4 heterozygotes.

GeneDx
Classification: Benign. Last evaluated: 2015-03-03. Review status: criteria provided, single submitter. Criteria: GeneDx Variant Classification Process June 2021. Collection method: clinical testing. Allele origin: germline. Affected: yes.
Comment: This variant is associated with the following publications: (PMID: 24728327)

Eurofins Ntd Llc (ga)
Classification: Benign. Last evaluated: 2015-01-07. Review status: criteria provided, single submitter. Criteria: EGL Classification Definitions 2015. Collection method: clinical testing. Allele origin: germline. Observed: 1 variant allele, 1 heterozygote.

Ambry Genetics
Classification: Benign for Hereditary cancer-predisposing syndrome. Last evaluated: 2014-11-19. Review status: criteria provided, single submitter. Criteria: Ambry Variant Classification Scheme 2023. Collection method: clinical testing. Allele origin: germline.

Color Diagnostics, LLC DBA Color Health
Classification: Benign for Hereditary cancer-predisposing syndrome. Last evaluated: 2014-11-05. Review status: criteria provided, single submitter. Criteria: ACMG Guidelines, 2015. Collection method: clinical testing. Allele origin: germline.

PreventionGenetics, part of Exact Sciences
Classification: Benign. Last evaluated: 2014-03-26. Review status: criteria provided, single submitter. Criteria: ACMG Guidelines, 2015. Collection method: clinical testing. Allele origin: germline.

Leiden Open Variation Database
Classification: Benign for Familial cancer of breast. Last evaluated: 2019-05-13. Review status: no assertion criteria provided. Collection method: curation. Allele origin: germline. Affected: yes. Not counted in ClinVar's aggregate classification.
Comment: Curators: Marc Tischkowitz, Arleen D. Auerbach. Submitter to LOVD: Marc Tischkowitz.

Pathway Genomics
Classification: Benign for Breast carcinoma. Last evaluated: 2014-11-06. Review status: no assertion criteria provided. Collection method: clinical testing. Allele origin: germline. Not counted in ClinVar's aggregate classification.

ITMI
No classification provided. Condition: AllHighlyPenetrant. Last evaluated: 2013-09-19. Review status: no classification provided. Collection method: reference population. Allele origin: germline. Not counted in ClinVar's aggregate classification.
Comment: Please see associated publication for description of ethnicities

Clinical Genetics Laboratory, Department of Pathology, Netherlands Cancer Institute
Classification: Benign. Review status: no assertion criteria provided. Collection method: clinical testing. Allele origin: germline. Affected: yes. Study: VKGL Data-share Consensus. Not counted in ClinVar's aggregate classification.

Department of Pathology and Laboratory Medicine, Sinai Health System
Classification: Benign for Malignant tumor of breast. Review status: no assertion criteria provided. Collection method: clinical testing. Allele origin: unknown. Affected: yes. Observed: 1 variant allele. Study: The Canadian Open Genetics Repository (COGR). Not counted in ClinVar's aggregate classification.
Comment: The PALB2 p.Pro210Leu variant was identified in 65 of 10554 proband chromosomes (frequency: 0.006) from individuals or families with breast cancer and was present in 37 of 8955 control chromosomes (frequency: 0.0005) from healthy individuals (Rahman_2007_17200668, Garcia_2009_18302019, Ding_2011_21113654, Zheng_2012_21932393, Tischkowitz_2012_22241545, Thompson_2015_26283626). The variant was also identified in the following databases: dbSNP (ID: rs57605939) as â€šÃ„ÃºWith other alleleâ€šÃ„Ã¹, ClinVar (8x, as benign by Invitae, Ambry, EGL Genetic, Color Genomics, Illumina, Pathway Genomics, PALB2 database, 2x as likely benign, by Cancer Genetics, Institute for Biomarker, 1x as uncertain significant by ITMI), Clinvitae (3x as benign and 3x with conflicting interpretations of pathogenicity by ClinVar and EmvClass), LOVD 3.0 (5x). The variant was not identified in Cosmic, MutDB, and Zhejiang Colon Cancer Databases. The variant was identified in control databases in 1750 of 277182 chromosomes (51 homozygous) at a frequency of 0.006 increasing the likelihood this could be a low frequency variant (Genome Aggregation Database Feb 27, 2017). Breakdown of the observations by population include African in 1618 of 24022 chromosomes (freq: 0.07), other in 13 of 6468 chromosomes (freq: 0.002), Latino in 105 of 34420 chromosomes (freq: 0.003), European Non-Finnish in 10 of 126682 chromosomes (freq: 0.00008), Ashkenazi Jewish in 1 of 10152 chromosomes (freq: 0.0001), and South Asian in 3 of 30782 chromosomes (freq: 0.0001), while the variant was not observed in the East Asian, European Finnish, populations. The p.Pro210Leu residue is conserved in mammals and computational analyses (PolyPhen-2, SIFT, AlignGVGD, BLOSUM, MutationTaster) provide inconsistent predictions regarding the impact to the protein; this information is not very predictive of pathogenicity. The variant occurs outside of the splicing consensus sequence and in silico or computational prediction software programs (SpliceSiteFinder, MaxEntScan, NNSPLICE, GeneSplicer, HumanSpliceFinder) do not predict a difference in splicing. In summary, based on the above information this variant meets our laboratory's criteria to be classified as benign.

Genome Diagnostics Laboratory, Amsterdam University Medical Center
Classification: Benign. Review status: no assertion criteria provided. Collection method: clinical testing. Allele origin: germline. Affected: yes. Study: VKGL Data-share Consensus. Not counted in ClinVar's aggregate classification.

Joint Genome Diagnostic Labs from Nijmegen and Maastricht, Radboudumc and MUMC+
Classification: Benign. Review status: no assertion criteria provided. Collection method: clinical testing. Allele origin: germline. Affected: yes. Study: VKGL Data-share Consensus. Not counted in ClinVar's aggregate classification.

Laboratory of Diagnostic Genome Analysis, Leiden University Medical Center (LUMC)
Classification: Benign. Review status: no assertion criteria provided. Collection method: clinical testing. Allele origin: germline. Affected: yes. Study: VKGL Data-share Consensus. Not counted in ClinVar's aggregate classification.

Literature cited by the submitters: PubMed 17200668 (cited by Eurofins Ntd Llc (ga) and Leiden Open Variation Database); PubMed 18302019 (cited by 3 submitters); PubMed 21113654 (cited by 3 submitters); PubMed 21932393 (cited by Eurofins Ntd Llc (ga) and Leiden Open Variation Database); PubMed 22241545 (cited by Eurofins Ntd Llc (ga) and Leiden Open Variation Database); PubMed 24728327 (cited by Pathway Genomics and ITMI).